The following is an entry in ClinVar:

ClinVar aggregate classification (germline): Uncertain significance (1 of 4 stars; one submission).

Submission:

Ambry Genetics
Classification: Uncertain significance. Last evaluated: 2022-09-13. Review status: criteria provided, single submitter. Criteria: Ambry Variant Classification Scheme 2023. Collection method: clinical testing. Allele origin: germline.
Comment: The p.R243W variant (also known as c.727C>T), located in coding exon 6 of the RECQL gene, results from a C to T substitution at nucleotide position 727. The arginine at codon 243 is replaced by tryptophan, an amino acid with dissimilar properties. This alteration has been reported in an individual with ovarian cancer (Song H et al. J Med Genet, 2021 05;58:305-313). This amino acid position is highly conserved in available vertebrate species. In addition, this alteration is predicted to be deleterious by in silico analysis. The evidence for this gene-disease relationship is limited; therefore, the clinical significance of this alteration is unclear.

Literature cited by the submitters: PubMed 32546565.

NM_002907.4(RECQL):c.727C>T (p.Arg243Trp)

Gene: RECQL (RecQ like helicase; minus strand). Cytogenetic location: 12p12.1.
Variant type: single nucleotide variant.
Coding change: c.727C>T on transcript NM_002907.4 (MANE Select); coding-DNA position 727, C replaced by T.
Protein change: p.Arg243Trp; replaces arginine 243 with tryptophan.
Molecular consequence: missense variant.
Genome position (GRCh38, 1-based): chr12:21,477,943, G>A on the plus strand (C>T on the coding strand, the complement: RECQL is on the minus strand). VCF-style: chr12-21477943-G-A. GRCh37 (hg19) VCF-style: chr12-21630877-G-A.
Other names: c.727C>T, p.Arg243Trp (NM_032941.3); short protein forms R243W.
Identifiers: ClinVar variation 1758059 (VCV001758059.2), dbSNP rs1489858868, ClinGen allele CA384124991.